The following is an entry in ClinVar:

ClinVar aggregate classification (germline): Uncertain significance. Review status: criteria provided, multiple submitters, no conflicts (2 of 4 stars). 2 submissions from 2 submitters: Uncertain significance (2). Last evaluated 2021-12-25.

Conditions:
Primary ciliary dyskinesia. Also called: Ciliary dyskinesia. Identifiers: Orphanet 244, MedGen C0008780, MONDO:0016575, HP:0012265.

Allele frequency attached by ClinVar (database versions not stated): TOPMed 0.00003; ExAC 0.00004; gnomAD 0.00004; gnomAD exomes 0.00006 and 0.00014; ESP Exome Variant Server 0.00023.
gnomAD v4.1: 209 of 1,613,582 alleles (0.013%); highest among the groups gnomAD compares: Non-Finnish European, 0.017%; no homozygotes.

Submissions (2):

Labcorp Genetics (formerly Invitae), Labcorp
Classification: Uncertain significance for Primary ciliary dyskinesia. Last evaluated: 2021-12-25. Review status: criteria provided, single submitter. Criteria: Invitae Variant Classification Sherloc (09022015). Collection method: clinical testing. Allele origin: germline.
Comment: This sequence change replaces glutamine, which is neutral and polar, with lysine, which is basic and polar, at codon 9 of the RSPH4A protein (p.Gln9Lys). The frequency data for this variant in the population databases is considered unreliable, as metrics indicate poor data quality at this position in the gnomAD database. This variant has not been reported in the literature in individuals affected with RSPH4A-related conditions. Algorithms developed to predict the effect of missense changes on protein structure and function (SIFT, PolyPhen-2, Align-GVGD) all suggest that this variant is likely to be tolerated. In summary, the available evidence is currently insufficient to determine the role of this variant in disease. Therefore, it has been classified as a Variant of Uncertain Significance.

Ambry Genetics
Classification: Uncertain significance for Primary ciliary dyskinesia. Last evaluated: 2015-08-27. Review status: criteria provided, single submitter. Criteria: Ambry Variant Classification Scheme 2023. Collection method: clinical testing. Allele origin: germline.
Comment: The p.Q9K variant (also known as c.25C>A), located in coding exon 1 of the RSPH4A gene, results from a C to A substitution at nucleotide position 25. The glutamine at codon 9 is replaced by lysine, an amino acid with similar properties. This variant was previously reported in the SNPDatabase as rs139499008. Based on data from the NHLBI Exome Sequencing Project (ESP), the A allele has an overall frequency of approximately 0.02% (3/13006) total alleles studied and 0.03% (3/8600) European American alleles. This amino acid position is well conserved in available vertebrate species. In addition, this alteration is predicted to be tolerated by in silico analysis. Since supporting evidence is limited at this time, the clinical significance of p.Q9K remains unclear.

NM_001010892.3(RSPH4A):c.25C>A (p.Gln9Lys)

Gene: RSPH4A (radial spoke head component 4A; plus strand). Cytogenetic location: 6q22.1.
Variant type: single nucleotide variant.
Coding change: c.25C>A on transcript NM_001010892.3 (MANE Select); coding-DNA position 25, C replaced by A.
Protein change: p.Gln9Lys; replaces glutamine 9 with lysine.
Molecular consequence: missense variant.
Genome position (GRCh38, 1-based): chr6:116,616,648, C>A. VCF-style: chr6-116616648-C-A. GRCh37 (hg19) VCF-style: chr6-116937811-C-A.
Other names: c.25C>A, p.Gln9Lys (NM_001161664.2); short protein forms Q9K.
Identifiers: ClinVar variation 1426742 (VCV001426742.5), dbSNP rs139499008, ClinGen allele CA3970686.